The following is an entry in ClinVar:

ClinVar aggregate classification (germline): Uncertain significance. Review status: criteria provided, multiple submitters, no conflicts (2 of 4 stars). 2 submissions from 2 submitters: Uncertain significance (2). Last evaluated 2025-03-31.

Allele frequency attached by ClinVar (database versions not stated): gnomAD exomes below 0.00001; ExAC 0.00001; TOPMed 0.00001; gnomAD 0.00002 and 0.00003.
gnomAD v4.1: 5 of 1,614,042 alleles (0.00031%); highest among the groups gnomAD compares: African/African-American, 0.0053%; no homozygotes.

Submissions (2):

Ambry Genetics
Classification: Uncertain significance. Last evaluated: 2025-03-31. Review status: criteria provided, single submitter. Criteria: Ambry Variant Classification Scheme 2023. Collection method: clinical testing. Allele origin: germline.
Comment: The p.S1073N variant (also known as c.3218G>A), located in coding exon 26 of the A2ML1 gene, results from a G to A substitution at nucleotide position 3218. The serine at codon 1073 is replaced by asparagine, an amino acid with highly similar properties. This amino acid position is conserved. In addition, this alteration is predicted to be tolerated by in silico analysis. Based on the available evidence, the clinical significance of this variant remains unclear.

Labcorp Genetics (formerly Invitae), Labcorp
Classification: Uncertain significance. Last evaluated: 2022-09-06. Review status: criteria provided, single submitter. Criteria: Invitae Variant Classification Sherloc (09022015). Collection method: clinical testing. Allele origin: germline.
Comment: In summary, the available evidence is currently insufficient to determine the role of this variant in disease. Therefore, it has been classified as a Variant of Uncertain Significance. Algorithms developed to predict the effect of missense changes on protein structure and function output the following: SIFT: "Tolerated"; PolyPhen-2: "Benign"; Align-GVGD: "Class C0". The asparagine amino acid residue is found in multiple mammalian species, which suggests that this missense change does not adversely affect protein function. ClinVar contains an entry for this variant (Variation ID: 1025643). This variant has not been reported in the literature in individuals affected with A2ML1-related conditions. This variant is present in population databases (rs745334410, gnomAD 0.007%). This sequence change replaces serine, which is neutral and polar, with asparagine, which is neutral and polar, at codon 1073 of the A2ML1 protein (p.Ser1073Asn).

NM_144670.6(A2ML1):c.3218G>A (p.Ser1073Asn)

Gene: A2ML1 (alpha-2-macroglobulin like 1; plus strand). Cytogenetic location: 12p13.31.
Variant type: single nucleotide variant.
Coding change: c.3218G>A on transcript NM_144670.6 (MANE Select); coding-DNA position 3218, G replaced by A.
Protein change: p.Ser1073Asn; replaces serine 1073 with asparagine.
Molecular consequence: missense variant.
Genome position (GRCh38, 1-based): chr12:8,858,056, G>A. VCF-style: chr12-8858056-G-A. GRCh37 (hg19) VCF-style: chr12-9010652-G-A.
Other names: c.3218G>A (NM_144670.3); c.1745G>A, p.Ser582Asn (NM_001282424.3); short protein forms S1073N, S582N.
Identifiers: ClinVar variation 1025643 (VCV001025643.10), dbSNP rs745334410, ClinGen allele CA6436289.